The following is an entry in ClinVar:

ClinVar aggregate classification (germline): Likely benign (0 of 4 stars; one submission).

Conditions:
HSPG2-related disorder. Also called: HSPG2-related disorders; HSPG2-related condition.

Allele frequency attached by ClinVar (database versions not stated): gnomAD 0.00001; ExAC 0.00002; gnomAD exomes 0.00002.
gnomAD v4.1: 28 of 1,613,686 alleles (0.0017%); highest among the groups gnomAD compares: Admixed American, 0.0083%; no homozygotes.

Submission:

PreventionGenetics, part of Exact Sciences
Classification: Likely benign for HSPG2-related condition. Last evaluated: 2020-02-21. Review status: no assertion criteria provided. Collection method: clinical testing. Allele origin: germline.
Comment: This variant is classified as likely benign based on ACMG/AMP sequence variant interpretation guidelines (Richards et al. 2015 PMID: 25741868, with internal and published modifications).

NM_005529.7(HSPG2):c.1355+4C>T

Gene: HSPG2 (heparan sulfate proteoglycan 2; minus strand). Cytogenetic location: 1p36.12.
Variant type: single nucleotide variant.
Coding change: c.1355+4C>T on transcript NM_005529.7 (MANE Select); 4 bases into the intron after coding-DNA position 1355, C replaced by T.
Molecular consequence: intron variant.
Genome position (GRCh38, 1-based): chr1:21,885,009, G>A on the plus strand (C>T on the coding strand, the complement: HSPG2 is on the minus strand). VCF-style: chr1-21885009-G-A. GRCh37 (hg19) VCF-style: chr1-22211502-G-A.
Other names: c.1355+4C>T (NM_001291860.2).
Identifiers: ClinVar variation 3051897 (VCV003051897.2), dbSNP rs377281218, ClinGen allele CA673483.
Genomic context (GRCh38, chr1:21,885,009, plus strand): 5'-TGGCCTAGGGCTCTGGACCAGCTGCCCCTCATTCCCACCCCACCACCTGGGCCCAGAGCC[G>A]CACCTGGGATGAGAGGGGATGTGGCCCCAGTTGAGCCTCCAATTGATGATGGGGGTGGGG-3'